The following is an entry in ClinVar:

NM_014946.4(SPAST):c.899_900insTT (p.Lys300fs)

Gene: SPAST (spastin; plus strand). Cytogenetic location: 2p22.3.
Variant type: Insertion.
Coding change: c.899_900insTT on transcript NM_014946.4 (MANE Select); coding-DNA positions 899 to 900, TT inserted.
Protein change: p.Lys300fs; shifts the reading frame from lysine 300.
Molecular consequence: frameshift variant.
Genome position: GRCh38 VCF-style: chr2-32115730-A-ATT. GRCh37 (hg19) VCF-style: chr2-32340799-A-ATT.
Other names: c.896_897insTT, p.Lys299fs (NM_001363823.2); c.800_801insTT, p.Lys267fs (NM_001363875.2); c.803_804insTT, p.Lys268fs (NM_001377959.1, NM_199436.2); short protein forms K300fs, K267fs, K268fs, K299fs.
Identifiers: ClinVar variation 956394 (VCV000956394.1), dbSNP rs1678803263, ClinGen allele CA1139656865.

ClinVar aggregate classification (germline): Pathogenic (1 of 4 stars; one submission).

Conditions:
Hereditary spastic paraplegia 4. Also called: Spastic paraplegia 4, autosomal dominant; Familial spastic paraplegia autosomal dominant 2; Spastic Paraplegia 4. Identifiers: Orphanet 100985, MedGen C1866855, MONDO:0008438, OMIM 182601.

Submission:

Labcorp Genetics (formerly Invitae), Labcorp
Classification: Pathogenic for Spastic paraplegia 4, autosomal dominant. Last evaluated: 2019-08-14. Review status: criteria provided, single submitter. Criteria: Invitae Variant Classification Sherloc (09022015). Collection method: clinical testing. Allele origin: germline.
Comment: This sequence change creates a premature translational stop signal (p.Lys300Asnfs*16) in the SPAST gene. It is expected to result in an absent or disrupted protein product. This variant is not present in population databases (ExAC no frequency). This variant has not been reported in the literature in individuals with SPAST-related conditions. Loss-of-function variants in SPAST are known to be pathogenic (PMID: 20932283). For these reasons, this variant has been classified as Pathogenic.